The following is an entry in ClinVar:

ClinVar aggregate classification (germline): Benign. Review status: criteria provided, multiple submitters, no conflicts (2 of 4 stars). 5 submissions from 4 submitters: Benign (5). Last evaluated 2026-01-26.

Conditions:
Craniometaphyseal dysplasia, autosomal dominant (CMDD). Identifiers: Orphanet 1522, MedGen C1852502, MONDO:0007397, OMIM 123000.
Chondrocalcinosis 2. Also called: CALCIUM GOUT; CALCIUM PYROPHOSPHATE ARTHROPATHY; Familial calcium pyrophosphate deposition. Identifiers: Orphanet 1416, MedGen C0856830, MONDO:0007319, OMIM 118600.

Allele frequency attached by ClinVar (database versions not stated): gnomAD exomes 0.00399; ExAC 0.00501; gnomAD 0.01519 and 0.01616; TOPMed 0.01713; ESP Exome Variant Server 0.01722; 1000 Genomes Project 0.01797; 1000 Genomes Project 30x 0.01999.
gnomAD v4.1: 4,490 of 1,614,066 alleles (0.28%); highest among the groups gnomAD compares: African/African-American, 5.3%; 114 homozygotes.

Submissions (22):

Labcorp Genetics (formerly Invitae), Labcorp
Classification: Benign. Last evaluated: 2026-01-26. Review status: criteria provided, single submitter. Criteria: Invitae Variant Classification Sherloc (09022015). Collection method: clinical testing. Allele origin: germline.

Genome-Nilou Lab
Classification: Benign for Craniometaphyseal dysplasia, autosomal dominant. Last evaluated: 2021-12-05. Review status: criteria provided, single submitter. Criteria: ACMG Guidelines, 2015. Collection method: clinical testing. Allele origin: germline. Affected: no.

GeneDx
Classification: Benign. Last evaluated: 2018-11-11. Review status: criteria provided, single submitter. Criteria: GeneDx Variant Classification Process June 2021. Collection method: clinical testing. Allele origin: germline. Affected: yes.

Illumina Laboratory Services, Illumina
Classification: Benign for Chondrocalcinosis 2. Last evaluated: 2018-01-12. Review status: criteria provided, single submitter. Criteria: ICSL Variant Classification Criteria 13 December 2019. Collection method: clinical testing. Allele origin: germline.
Comment: This variant was observed in the ICSL laboratory as part of a predisposition screen in an ostensibly healthy population. It had not been previously curated by ICSL or reported in the Human Gene Mutation Database (HGMD: prior to June 1st, 2018), and was therefore a candidate for classification through an automated scoring system. Utilizing variant allele frequency, disease prevalence and penetrance estimates, and inheritance mode, an automated score was calculated to assess if this variant is too frequent to cause the disease. Based on the score and internal cut-off values, a variant classified as benign is not then subjected to further curation. The score for this variant resulted in a classification of benign for this disease.

Illumina Laboratory Services, Illumina
Classification: Benign for Craniometaphyseal dysplasia, autosomal dominant. Last evaluated: 2018-01-12. Review status: criteria provided, single submitter. Criteria: ICSL Variant Classification Criteria 13 December 2019. Collection method: clinical testing. Allele origin: germline.
Comment: the same text as in the submission from Illumina Laboratory Services, Illumina above.

Dr. Peter K. Rogan Lab, Western University
No classification provided (evidence only). Condition: Lung cancer. Review status: no classification provided. Collection method: in vitro. Allele origin: not applicable. Functional consequence: retained intron. Not counted in ClinVar's aggregate classification.

Dr. Peter K. Rogan Lab, Western University
No classification provided (evidence only). Condition: Lung cancer. Review status: no classification provided. Collection method: in vitro. Allele origin: not applicable. Functional consequence: retained intron. Not counted in ClinVar's aggregate classification.

Dr. Peter K. Rogan Lab, Western University
No classification provided (evidence only). Condition: Acute myeloid leukemia. Review status: no classification provided. Collection method: in vitro. Allele origin: not applicable. Functional consequence: retained intron. Not counted in ClinVar's aggregate classification.

Dr. Peter K. Rogan Lab, Western University
No classification provided (evidence only). Condition: Uterine corpus endometrial carcinoma. Review status: no classification provided. Collection method: in vitro. Allele origin: not applicable. Functional consequence: retained intron. Not counted in ClinVar's aggregate classification.

Dr. Peter K. Rogan Lab, Western University
No classification provided (evidence only). Condition: Uterine corpus endometrial carcinoma. Review status: no classification provided. Collection method: in vitro. Allele origin: not applicable. Functional consequence: retained intron. Not counted in ClinVar's aggregate classification.

Dr. Peter K. Rogan Lab, Western University
No classification provided (evidence only). Condition: Cervical cancer. Review status: no classification provided. Collection method: in vitro. Allele origin: not applicable. Functional consequence: retained intron. Not counted in ClinVar's aggregate classification.

Dr. Peter K. Rogan Lab, Western University
No classification provided (evidence only). Condition: Cervical cancer. Review status: no classification provided. Collection method: in vitro. Allele origin: not applicable. Functional consequence: retained intron. Not counted in ClinVar's aggregate classification.

Dr. Peter K. Rogan Lab, Western University
No classification provided (evidence only). Condition: Cervical cancer. Review status: no classification provided. Collection method: in vitro. Allele origin: not applicable. Functional consequence: retained intron. Not counted in ClinVar's aggregate classification.

Dr. Peter K. Rogan Lab, Western University
No classification provided (evidence only). Condition: Cervical cancer. Review status: no classification provided. Collection method: in vitro. Allele origin: not applicable. Functional consequence: retained intron. Not counted in ClinVar's aggregate classification.

Dr. Peter K. Rogan Lab, Western University
No classification provided (evidence only). Condition: Cervical cancer. Review status: no classification provided. Collection method: in vitro. Allele origin: not applicable. Functional consequence: retained intron. Not counted in ClinVar's aggregate classification.

Dr. Peter K. Rogan Lab, Western University
No classification provided (evidence only). Condition: Sarcoma. Review status: no classification provided. Collection method: in vitro. Allele origin: not applicable. Functional consequence: retained intron. Not counted in ClinVar's aggregate classification.

Dr. Peter K. Rogan Lab, Western University
No classification provided (evidence only). Condition: Sarcoma. Review status: no classification provided. Collection method: in vitro. Allele origin: not applicable. Functional consequence: retained intron. Not counted in ClinVar's aggregate classification.

Dr. Peter K. Rogan Lab, Western University
No classification provided (evidence only). Condition: Sarcoma. Review status: no classification provided. Collection method: in vitro. Allele origin: not applicable. Functional consequence: retained intron. Not counted in ClinVar's aggregate classification.

Dr. Peter K. Rogan Lab, Western University
No classification provided (evidence only). Condition: Cholangiocarcinoma. Review status: no classification provided. Collection method: in vitro. Allele origin: not applicable. Functional consequence: retained intron. Not counted in ClinVar's aggregate classification.

Dr. Peter K. Rogan Lab, Western University
No classification provided (evidence only). Condition: Ovarian serous cystadenocarcinoma. Review status: no classification provided. Collection method: in vitro. Allele origin: not applicable. Functional consequence: retained intron. Not counted in ClinVar's aggregate classification.

Dr. Peter K. Rogan Lab, Western University
No classification provided (evidence only). Condition: Uterine carcinosarcoma. Review status: no classification provided. Collection method: in vitro. Allele origin: not applicable. Functional consequence: retained intron. Not counted in ClinVar's aggregate classification.

Dr. Peter K. Rogan Lab, Western University
No classification provided (evidence only). Condition: Uterine carcinosarcoma. Review status: no classification provided. Collection method: in vitro. Allele origin: not applicable. Functional consequence: retained intron. Not counted in ClinVar's aggregate classification.

NM_054027.6(ANKH):c.1265+6T>C

Genes: ANKH (ANKH inorganic pyrophosphate transport regulator; minus strand), OTULIN (OTU deubiquitinase with linear linkage specificity; plus strand), LOC100130744 (uncharacterized LOC100130744; plus strand). Cytogenetic location: 5p15.2.
Variant type: single nucleotide variant.
Coding change: c.1265+6T>C on transcript NM_054027.6 (MANE Select); 6 bases into the intron after coding-DNA position 1265, T replaced by C.
Molecular consequence: intron variant. On other transcripts: non-coding transcript variant (1).
Genome position (GRCh38, 1-based): chr5:14,713,538, A>G on the plus strand (T>C on the coding strand, the complement: ANKH is on the minus strand). VCF-style: chr5-14713538-A-G. GRCh37 (hg19) VCF-style: chr5-14713647-A-G.
Identifiers: ClinVar variation 351503 (VCV000351503.19), dbSNP rs114529889, ClinGen allele CA3208880.
Genomic context (GRCh38, chr5:14,713,538, plus strand): 5'-TAAACCTCTGGACACAGTATTGAAGTGGCAGAAGGACCCACAGCCCCAAACTCCCTGACA[A>G]CATACCCCAGGTAGGGTAGGACCACGAGGCTGGCGATGAGGACGATGATCCGCAGCACAG-3'